The following is an entry in ClinVar:

NM_000096.4(CP):c.259C>T (p.Pro87Ser)

Gene: CP (ceruloplasmin; minus strand). Cytogenetic location: 3q25.1.
Variant type: single nucleotide variant.
Coding change: c.259C>T on transcript NM_000096.4 (MANE Select); coding-DNA position 259, C replaced by T.
Protein change: p.Pro87Ser; replaces proline 87 with serine.
Molecular consequence: missense variant. On other transcripts: non-coding transcript variant (1).
Genome position (GRCh38, 1-based): chr3:149,212,586, G>A on the plus strand (C>T on the coding strand, the complement: CP is on the minus strand). VCF-style: chr3-149212586-G-A. GRCh37 (hg19) VCF-style: chr3-148930373-G-A.
Other names: short protein forms P87S.
Identifiers: ClinVar variation 903437 (VCV000903437.6), dbSNP rs749061188, ClinGen allele CA2661356.

ClinVar aggregate classification (germline): Uncertain significance. Review status: criteria provided, multiple submitters, no conflicts (2 of 4 stars). 3 submissions from 3 submitters: Uncertain significance (3). Last evaluated 2025-12-16.

Conditions:
Deficiency of ferroxidase (ACEP). Also called: Deficiency of ceruloplasmin; Ceruloplasmin deficiency; Familial apoceruloplasmin deficiency; Hereditary ceruloplasmin deficiency; Aceruloplasminemia; NEURODEGENERATION WITH BRAIN IRON ACCUMULATION 10. Identifiers: Orphanet 48818, MedGen C0878682, MONDO:0011426, OMIM 604290, HP:0025498.
Inborn genetic diseases. Identifiers: MedGen C0950123, MeSH D030342.

Allele frequency attached by ClinVar (database versions not stated): gnomAD 0.00002; gnomAD exomes 0.00002 and 0.00003; TOPMed 0.00003; ExAC 0.00004.

Submissions (3):

Ambry Genetics
Classification: Uncertain significance for Inborn genetic diseases. Last evaluated: 2025-12-16. Review status: criteria provided, single submitter. Criteria: Ambry Variant Classification Scheme 2023. Collection method: clinical testing. Allele origin: germline.

Labcorp Genetics (formerly Invitae), Labcorp
Classification: Uncertain significance for Deficiency of ferroxidase. Last evaluated: 2023-03-06. Review status: criteria provided, single submitter. Criteria: Invitae Variant Classification Sherloc (09022015). Collection method: clinical testing. Allele origin: germline.
Comment: The frequency data for this variant in the population databases is considered unreliable, as metrics indicate poor data quality at this position in the gnomAD database. This sequence change replaces proline, which is neutral and non-polar, with serine, which is neutral and polar, at codon 87 of the CP protein (p.Pro87Ser). This variant has not been reported in the literature in individuals affected with CP-related conditions. In summary, the available evidence is currently insufficient to determine the role of this variant in disease. Therefore, it has been classified as a Variant of Uncertain Significance. Advanced modeling of protein sequence and biophysical properties (such as structural, functional, and spatial information, amino acid conservation, physicochemical variation, residue mobility, and thermodynamic stability) performed at Invitae indicates that this missense variant is not expected to disrupt CP protein function. ClinVar contains an entry for this variant (Variation ID: 903437).

Illumina Laboratory Services, Illumina
Classification: Uncertain significance for Deficiency of ferroxidase. Last evaluated: 2017-04-27. Review status: criteria provided, single submitter. Criteria: ICSL Variant Classification Criteria 13 December 2019. Collection method: clinical testing. Allele origin: germline.